The following is an entry in ClinVar:

ClinVar aggregate classification (germline): Uncertain significance (1 of 4 stars; one submission).

Conditions:
Hereditary cancer-predisposing syndrome. Also called: Neoplastic Syndromes, Hereditary; Tumor predisposition; Hereditary neoplastic syndrome; Hereditary Cancer Syndrome. Identifiers: Orphanet 140162, MedGen C0027672, MeSH D009386, MONDO:0015356.

Submission:

Ambry Genetics
Classification: Uncertain significance for Hereditary cancer-predisposing syndrome. Last evaluated: 2025-04-18. Review status: criteria provided, single submitter. Criteria: Ambry Variant Classification Scheme 2023. Collection method: clinical testing. Allele origin: germline.
Comment: The p.C184S variant (also known as c.551G>C), located in coding exon 1 of the HOXB13 gene, results from a G to C substitution at nucleotide position 551. The cysteine at codon 184 is replaced by serine, an amino acid with dissimilar properties. This amino acid position is conserved. In addition, this alteration is predicted to be deleterious by in silico analysis. Based on the available evidence, the clinical significance of this variant remains unclear.

NM_006361.6(HOXB13):c.551G>C (p.Cys184Ser)

Gene: HOXB13 (homeobox B13; minus strand). Cytogenetic location: 17q21.32.
Variant type: single nucleotide variant.
Coding change: c.551G>C on transcript NM_006361.6 (MANE Select); coding-DNA position 551, G replaced by C.
Protein change: p.Cys184Ser; replaces cysteine 184 with serine.
Molecular consequence: missense variant.
Genome position (GRCh38, 1-based): chr17:48,728,043, C>G on the plus strand (G>C on the coding strand, the complement: HOXB13 is on the minus strand). VCF-style: chr17-48728043-C-G. GRCh37 (hg19) VCF-style: chr17-46805405-C-G.
Other names: short protein forms C184S.
Identifiers: ClinVar variation 4035951 (VCV004035951.1).